The following is an entry in ClinVar:

ClinVar aggregate classification (germline): Uncertain significance (1 of 4 stars; one submission).

Conditions:
Episodic kinesigenic dyskinesia (EKD). Also called: Paroxysmal kinesigenic dyskinesia. Identifiers: Orphanet 98809, MedGen C1868682, MONDO:0044202.

Submission:

Labcorp Genetics (formerly Invitae), Labcorp
Classification: Uncertain significance for Episodic kinesigenic dyskinesia. Last evaluated: 2024-01-05. Review status: criteria provided, single submitter. Criteria: Invitae Variant Classification Sherloc (09022015). Collection method: clinical testing. Allele origin: germline.
Comment: This sequence change replaces serine, which is neutral and polar, with arginine, which is basic and polar, at codon 317 of the PRRT2 protein (p.Ser317Arg). This variant is not present in population databases (gnomAD no frequency). This missense change has been observed in individual(s) with dystonia (Invitae). Advanced modeling of protein sequence and biophysical properties (such as structural, functional, and spatial information, amino acid conservation, physicochemical variation, residue mobility, and thermodynamic stability) performed at Invitae indicates that this missense variant is expected to disrupt PRRT2 protein function with a positive predictive value of 80%. This variant disrupts the p.Ser317 amino acid residue in PRRT2. Other variant(s) that disrupt this residue have been determined to be pathogenic (PMID: 22243967, 31124310; Invitae). This suggests that this residue is clinically significant, and that variants that disrupt this residue are likely to be disease-causing. In summary, the available evidence is currently insufficient to determine the role of this variant in disease. Therefore, it has been classified as a Variant of Uncertain Significance.

Literature cited by the submitters: PubMed 22243967; PubMed 31124310.

NM_145239.3(PRRT2):c.951C>G (p.Ser317Arg)

Genes: MVP-DT (MVP divergent transcript; minus strand), PRRT2 (proline rich transmembrane protein 2; plus strand). Cytogenetic location: 16p11.2.
Variant type: single nucleotide variant.
Coding change: c.951C>G on transcript NM_145239.3 (MANE Select); coding-DNA position 951, C replaced by G.
Protein change: p.Ser317Arg; replaces serine 317 with arginine.
Molecular consequence: missense variant. On other transcripts: 3 prime UTR variant (1).
Genome position (GRCh38, 1-based): chr16:29,814,404, C>G. VCF-style: chr16-29814404-C-G. GRCh37 (hg19) VCF-style: chr16-29825725-C-G.
Other names: c.951C>G, p.Ser317Arg (NM_001256442.2); c.*450C>G (NM_001256443.2); short protein forms S317R.
Identifiers: ClinVar variation 2703151 (VCV002703151.3), dbSNP rs2543339172, ClinGen allele CA395480684.